The following is an entry in ClinVar:

ClinVar aggregate classification (germline): Uncertain significance (1 of 4 stars; one submission).

Conditions:
Duane-radial ray syndrome (DRRS). Also called: ACRORENOOCULAR SYNDROME; DR SYNDROME; DUANE ANOMALY WITH RADIAL RAY ABNORMALITIES AND DEAFNESS; Okihiro Syndrome; Duane-Radial Ray Syndrome/Okihiro Syndrome; Duane-Radial Ray Syndrome (DRRS) / Okihiro Syndrome. Identifiers: Orphanet 93293, Orphanet 959, MedGen C1623209, MONDO:0011812, OMIM 607323. Disease mechanism: gain of function.

gnomAD v4.1: 4 of 1,614,196 alleles (0.00025%); highest among the groups gnomAD compares: Non-Finnish European, 0.00034%; no homozygotes.

Submission:

Labcorp Genetics (formerly Invitae), Labcorp
Classification: Uncertain significance for Duane-radial ray syndrome. Last evaluated: 2025-03-27. Review status: criteria provided, single submitter. Criteria: Invitae Variant Classification Sherloc (09022015). Collection method: clinical testing. Allele origin: germline.
Comment: This sequence change replaces histidine, which is basic and polar, with arginine, which is basic and polar, at codon 90 of the SALL4 protein (p.His90Arg). This variant is not present in population databases (gnomAD no frequency). This variant has not been reported in the literature in individuals affected with SALL4-related conditions. An algorithm developed to predict the effect of missense changes on protein structure and function (PolyPhen-2) suggests that this variant is likely to be disruptive. In summary, the available evidence is currently insufficient to determine the role of this variant in disease. Therefore, it has been classified as a Variant of Uncertain Significance.

NM_020436.5(SALL4):c.269A>G (p.His90Arg)

Gene: SALL4 (spalt like transcription factor 4; minus strand). Cytogenetic location: 20q13.2.
Variant type: single nucleotide variant.
Coding change: c.269A>G on transcript NM_020436.5 (MANE Select); coding-DNA position 269, A replaced by G.
Protein change: p.His90Arg; replaces histidine 90 with arginine.
Molecular consequence: missense variant.
Genome position (GRCh38, 1-based): chr20:51,792,214, T>C on the plus strand (A>G on the coding strand, the complement: SALL4 is on the minus strand). VCF-style: chr20-51792214-T-C. GRCh37 (hg19) VCF-style: chr20-50408753-T-C.
Other names: c.269A>G, p.His90Arg (NM_001318031.2); short protein forms H90R.
Identifiers: ClinVar variation 4698453 (VCV004698453.1).